The following is an entry in ClinVar:

NM_001004334.4(GPR179):c.3383G>A (p.Arg1128Gln)

Gene: GPR179 (G protein-coupled receptor 179; minus strand). Cytogenetic location: 17q12.
Variant type: single nucleotide variant.
Coding change: c.3383G>A on transcript NM_001004334.4 (MANE Select); coding-DNA position 3383, G replaced by A.
Protein change: p.Arg1128Gln; replaces arginine 1128 with glutamine.
Molecular consequence: missense variant.
Genome position (GRCh38, 1-based): chr17:38,330,186, C>T on the plus strand (G>A on the coding strand, the complement: GPR179 is on the minus strand). VCF-style: chr17-38330186-C-T. GRCh37 (hg19) VCF-style: chr17-36486069-C-T.
Other names: short protein forms R1128Q.
Identifiers: ClinVar variation 888813 (VCV000888813.8), dbSNP rs370214602, ClinGen allele CA290105159.

ClinVar aggregate classification (germline): Uncertain significance. Review status: criteria provided, multiple submitters, no conflicts (2 of 4 stars). 3 submissions from 3 submitters: Uncertain significance (3). Last evaluated 2024-11-11.

Conditions:
Congenital stationary night blindness 1E. Also called: Night blindness, congenital stationary (complete), 1E, autosomal recessive. Identifiers: Orphanet 215, MedGen C3281215, MONDO:0013807, OMIM 614565.

Allele frequency attached by ClinVar (database versions not stated): ExAC 0.00004; gnomAD exomes 0.00004; gnomAD 0.00007 and 0.00008; ESP Exome Variant Server 0.00008; TOPMed 0.00010.
gnomAD v4.1: 32 of 1,568,142 alleles (0.002%); highest among the groups gnomAD compares: Admixed American, 0.016%; no homozygotes.

Submissions (3):

Labcorp Genetics (formerly Invitae), Labcorp
Classification: Uncertain significance. Last evaluated: 2024-11-11. Review status: criteria provided, single submitter. Criteria: Invitae Variant Classification Sherloc (09022015). Collection method: clinical testing. Allele origin: germline.
Comment: This sequence change replaces arginine, which is basic and polar, with glutamine, which is neutral and polar, at codon 1128 of the GPR179 protein (p.Arg1128Gln). This variant is present in population databases (rs370214602, gnomAD 0.02%). This variant has not been reported in the literature in individuals affected with GPR179-related conditions. ClinVar contains an entry for this variant (Variation ID: 888813). An algorithm developed to predict the effect of missense changes on protein structure and function (PolyPhen-2) suggests that this variant¬†is likely to be tolerated. In summary, the available evidence is currently insufficient to determine the role of this variant in disease. Therefore, it has been classified as a Variant of Uncertain Significance.

Blueprint Genetics
Classification: Uncertain significance. Last evaluated: 2023-08-16. Review status: criteria provided, single submitter. Criteria: ACMG Guidelines, 2015. Collection method: clinical testing. Allele origin: germline.

Illumina Laboratory Services, Illumina
Classification: Uncertain significance for Congenital stationary night blindness 1E. Last evaluated: 2018-01-12. Review status: criteria provided, single submitter. Criteria: ICSL Variant Classification Criteria 13 December 2019. Collection method: clinical testing. Allele origin: germline.